The following is an entry in ClinVar:

ClinVar aggregate classification (germline): Conflicting classifications of pathogenicity. Review status: criteria provided, conflicting classifications (1 of 4 stars). 5 submissions from 5 submitters: Uncertain significance (4); Likely benign (1). Last evaluated 2025-11-10.

Conditions:
Breast-ovarian cancer, familial, susceptibility to, 4. Identifiers: Orphanet 145, MedGen C3280345, MONDO:0013669, OMIM 614291.
Hereditary cancer-predisposing syndrome. Also called: Hereditary Cancer Syndrome; Neoplastic Syndromes, Hereditary; Tumor predisposition; Hereditary neoplastic syndrome. Identifiers: Orphanet 140162, MedGen C0027672, MeSH D009386, MONDO:0015356.

Allele frequency attached by ClinVar (database versions not stated): gnomAD below 0.00001 and 0.00001; TOPMed below 0.00001; gnomAD exomes 0.00003 and 0.00006; ExAC 0.00006.
gnomAD v4.1: 47 of 1,611,894 alleles (0.0029%); highest among the groups gnomAD compares: South Asian, 0.051%; no homozygotes.

Submissions (5):

Labcorp Genetics (formerly Invitae), Labcorp
Classification: Uncertain significance for Breast-ovarian cancer, familial, susceptibility to, 4. Last evaluated: 2025-11-10. Review status: criteria provided, single submitter. Criteria: Invitae Variant Classification Sherloc (09022015). Collection method: clinical testing. Allele origin: germline.
Comment: This sequence change replaces alanine, which is neutral and non-polar, with serine, which is neutral and polar, at codon 231 of the RAD51D protein (p.Ala231Ser). This variant is present in population databases (rs772135704, gnomAD 0.05%), and has an allele count higher than expected for a pathogenic variant. This missense change has been observed in individual(s) with breast and/or ovarian cancer (PMID: 29470806). ClinVar contains an entry for this variant (Variation ID: 480531). Invitae Evidence Modeling of protein sequence and biophysical properties (such as structural, functional, and spatial information, amino acid conservation, physicochemical variation, residue mobility, and thermodynamic stability) indicates that this missense variant is not expected to disrupt RAD51D protein function with a negative predictive value of 80%. In summary, the available evidence is currently insufficient to determine the role of this variant in disease. Therefore, it has been classified as a Variant of Uncertain Significance.

Color Diagnostics, LLC DBA Color Health
Classification: Uncertain significance for Hereditary cancer-predisposing syndrome. Last evaluated: 2025-08-25. Review status: criteria provided, single submitter. Criteria: ACMG Guidelines, 2015. Collection method: clinical testing. Allele origin: germline.
Comment: This missense variant replaces alanine with serine at codon 231 of the RAD51D protein. Computational prediction suggests that this variant may not impact protein structure and function. To our knowledge, functional studies have not been reported for this variant. This variant has been observed in an individual affected with breast and/or ovarian cancer (PMID: 29470806). This variant has been identified in 16/277366 chromosomes in the general population by the Genome Aggregation Database (gnomAD). The available evidence is insufficient to determine the role of this variant in disease conclusively. Therefore, this variant is classified as a Variant of Uncertain Significance.

Baylor Genetics
Classification: Uncertain significance for Breast-ovarian cancer, familial, susceptibility to, 4. Last evaluated: 2024-03-21. Review status: criteria provided, single submitter. Criteria: ACMG Guidelines, 2015. Collection method: clinical testing. Allele origin: unknown.

Ambry Genetics
Classification: Likely benign for Hereditary cancer-predisposing syndrome. Last evaluated: 2022-11-21. Review status: criteria provided, single submitter. Criteria: Ambry Variant Classification Scheme 2023. Collection method: clinical testing. Allele origin: germline.

GeneDx
Classification: Uncertain significance. Last evaluated: 2021-01-19. Review status: criteria provided, single submitter. Criteria: GeneDx Variant Classification Process June 2021. Collection method: clinical testing. Allele origin: germline. Affected: yes.
Comment: In silico analysis supports that this missense variant does not alter protein structure/function; Observed in individuals with breast or ovarian cancer (Singh 2018); This variant is associated with the following publications: (PMID: 29470806)

Literature cited by the submitters: PubMed 29470806 (cited by 3 submitters).

NM_002878.4(RAD51D):c.691G>T (p.Ala231Ser)

Genes: RAD51D (RAD51 paralog D; minus strand), RAD51L3-RFFL (RAD51L3-RFFL readthrough; minus strand). Cytogenetic location: 17q12.
Variant type: single nucleotide variant.
Coding change: c.691G>T on transcript NM_002878.4 (MANE Select); coding-DNA position 691, G replaced by T.
Protein change: p.Ala231Ser; replaces alanine 231 with serine.
Molecular consequence: missense variant. On other transcripts: non-coding transcript variant (3).
Genome position (GRCh38, 1-based): chr17:35,103,301, C>A on the plus strand (G>T on the coding strand, the complement: RAD51D is on the minus strand). VCF-style: chr17-35103301-C-A. GRCh37 (hg19) VCF-style: chr17-33430320-C-A.
Other names: c.751G>T, p.Ala251Ser (NM_001142571.2); c.355G>T, p.Ala119Ser (NM_133629.3); short protein forms A231S, A251S, A119S.
Identifiers: ClinVar variation 480531 (VCV000480531.19), dbSNP rs772135704, ClinGen allele CA8499378.